The following is an entry in ClinVar:

NM_012448.4(STAT5B):c.1915A>G (p.Met639Val)

Gene: STAT5B (signal transducer and activator of transcription 5B; minus strand). Cytogenetic location: 17q21.2.
Variant type: single nucleotide variant.
Coding change: c.1915A>G on transcript NM_012448.4 (MANE Select); coding-DNA position 1915, A replaced by G.
Protein change: p.Met639Val; replaces methionine 639 with valine.
Molecular consequence: missense variant.
Genome position (GRCh38, 1-based): chr17:42,207,720, T>C on the plus strand (A>G on the coding strand, the complement: STAT5B is on the minus strand). VCF-style: chr17-42207720-T-C. GRCh37 (hg19) VCF-style: chr17-40359738-T-C.
Other names: short protein forms M639V.
Identifiers: ClinVar variation 3679047 (VCV003679047.3).

ClinVar aggregate classification (germline): Uncertain significance. Review status: criteria provided, multiple submitters, no conflicts (2 of 4 stars). 2 submissions from 2 submitters: Uncertain significance (2). Last evaluated 2025-08-26.

Conditions:
Inborn genetic diseases. Identifiers: MedGen C0950123, MeSH D030342.
Growth hormone insensitivity with immune dysregulation 1, autosomal recessive. Also called: GROWTH HORMONE INSENSITIVITY SYNDROME WITH IMMUNE DYSREGULATION 1, AUTOSOMAL RECESSIVE; GROWTH HORMONE INSENSITIVITY DUE TO POSTRECEPTOR DEFECT; LARON SYNDROME DUE TO POSTRECEPTOR DEFECT; Laron syndrome with immunodeficiency. Identifiers: Orphanet 220465, MedGen C5435698, MONDO:0100211, OMIM 245590.

gnomAD v4.1: 1 of 1,614,040 alleles (0.000062%); highest among the groups gnomAD compares: African/African-American, 0.0013%; no homozygotes.

Submissions (2):

Ambry Genetics
Classification: Uncertain significance for Inborn genetic diseases. Last evaluated: 2025-08-26. Review status: criteria provided, single submitter. Criteria: Ambry Variant Classification Scheme 2023. Collection method: clinical testing. Allele origin: germline.

Labcorp Genetics (formerly Invitae), Labcorp
Classification: Uncertain significance for Growth hormone insensitivity with immune dysregulation 1, autosomal recessive. Last evaluated: 2024-10-10. Review status: criteria provided, single submitter. Criteria: Invitae Variant Classification Sherloc (09022015). Collection method: clinical testing. Allele origin: germline.
Comment: This sequence change replaces methionine, which is neutral and non-polar, with valine, which is neutral and non-polar, at codon 639 of the STAT5B protein (p.Met639Val). This variant is not present in population databases (gnomAD no frequency). This variant has not been reported in the literature in individuals affected with STAT5B-related conditions. Invitae Evidence Modeling of protein sequence and biophysical properties (such as structural, functional, and spatial information, amino acid conservation, physicochemical variation, residue mobility, and thermodynamic stability) indicates that this missense variant is not expected to disrupt STAT5B protein function with a negative predictive value of 80%. In summary, the available evidence is currently insufficient to determine the role of this variant in disease. Therefore, it has been classified as a Variant of Uncertain Significance.